The following is an entry in ClinVar:

ClinVar aggregate classification (germline): Uncertain significance (1 of 4 stars; one submission).

Allele frequency attached by ClinVar (database versions not stated): ExAC 0.00007.
gnomAD v4.1: 8 of 613,566 alleles (0.0013%); highest among the groups gnomAD compares: Middle Eastern, 0.095%; no homozygotes.

Submission:

Labcorp Genetics (formerly Invitae), Labcorp
Classification: Uncertain significance. Last evaluated: 2022-06-16. Review status: criteria provided, single submitter. Criteria: Invitae Variant Classification Sherloc (09022015). Collection method: clinical testing. Allele origin: germline.
Comment: This sequence change replaces histidine, which is basic and polar, with leucine, which is neutral and non-polar, at codon 660 of the ZNF469 protein (p.His660Leu). This variant is present in population databases (rs747984776, gnomAD 0.005%). This variant has not been reported in the literature in individuals affected with ZNF469-related conditions. Algorithms developed to predict the effect of missense changes on protein structure and function are either unavailable or do not agree on the potential impact of this missense change (SIFT: "Deleterious"; PolyPhen-2: "Possibly Damaging"; Align-GVGD: "Class C0"). In summary, the available evidence is currently insufficient to determine the role of this variant in disease. Therefore, it has been classified as a Variant of Uncertain Significance.

NM_001367624.2(ZNF469):c.1979A>T (p.His660Leu)

Gene: ZNF469 (zinc finger protein 469; plus strand). Cytogenetic location: 16q24.2.
Variant type: single nucleotide variant.
Coding change: c.1979A>T on transcript NM_001367624.2 (MANE Select); coding-DNA position 1979, A replaced by T.
Protein change: p.His660Leu; replaces histidine 660 with leucine.
Molecular consequence: missense variant.
Genome position (GRCh38, 1-based): chr16:88,429,449, A>T. VCF-style: chr16-88429449-A-T. GRCh37 (hg19) VCF-style: chr16-88495857-A-T.
Other names: short protein forms H660L.
Identifiers: ClinVar variation 2416476 (VCV002416476.3), dbSNP rs747984776, ClinGen allele CA8224731.
Genomic context (GRCh38, chr16:88,429,449, plus strand): 5'-ACCCCCAGGAGACGGGCAGCCCCTTCCCGTCCCCGGAGCCCCCCCACTCCCTCCCCACCC[A>T]CTACCAGCCAGAGCCAGCCAAGGCCTTCCCTTTTCCCGCAGATGGGCTGGGAGCCGAGGG-3'
Protein context (NP_001354553.1, residues 650-670): SPEPPHSLPT[His660Leu]YQPEPAKAFP